The following is an entry in ClinVar:

NM_004064.5(CDKN1B):c.112C>A (p.His38Asn)

Gene: CDKN1B (cyclin dependent kinase inhibitor 1B; plus strand). Cytogenetic location: 12p13.1.
Variant type: single nucleotide variant.
Coding change: c.112C>A on transcript NM_004064.5 (MANE Select); coding-DNA position 112, C replaced by A.
Protein change: p.His38Asn; replaces histidine 38 with asparagine.
Molecular consequence: missense variant.
Genome position (GRCh38, 1-based): chr12:12,717,951, C>A. VCF-style: chr12-12717951-C-A. GRCh37 (hg19) VCF-style: chr12-12870885-C-A.
Other names: short protein forms H38N.
Identifiers: ClinVar variation 3371284 (VCV003371284.1).

ClinVar aggregate classification (germline): Uncertain significance (1 of 4 stars; one submission).

Submission:

GeneDx
Classification: Uncertain significance. Last evaluated: 2024-03-20. Review status: criteria provided, single submitter. Criteria: GeneDx Variant Classification Process June 2021. Collection method: clinical testing. Allele origin: germline. Affected: yes.
Comment: Not observed at significant frequency in large population cohorts (gnomAD); In silico analysis supports that this missense variant has a deleterious effect on protein structure/function; Has not been previously published as pathogenic or benign to our knowledge